The following is an entry in ClinVar:

ClinVar aggregate classification (germline): Conflicting classifications of pathogenicity. Review status: criteria provided, conflicting classifications (1 of 4 stars). 4 submissions from 4 submitters: Likely pathogenic (2); Uncertain significance (2). Last evaluated 2026-03-06.

Conditions:
RDH5-related disorder. Also called: RDH5-related condition.

Allele frequency attached by ClinVar (database versions not stated): ExAC 0.00002; gnomAD 0.00003; gnomAD exomes 0.00003 and 0.00004; TOPMed 0.00003; ESP Exome Variant Server 0.00015.
gnomAD v4.1: 56 of 1,614,072 alleles (0.0035%); highest among the groups gnomAD compares: Non-Finnish European, 0.0045%; no homozygotes.

Submissions (4):

PreventionGenetics, part of Exact Sciences
Classification: Likely pathogenic for RDH5-related condition. Last evaluated: 2026-03-06. Review status: criteria provided, single submitter. Criteria: ACMG Guidelines, 2015. Collection method: clinical testing. Allele origin: germline.
Comment: The RDH5 c.838C>T variant is predicted to result in the amino acid substitution p.Arg280Cys. This variant has been reported with another RDH5 variant in an individual with fundus albipunctatus (Zolnikova et al. 2021. PubMed ID: 33610152). At PreventionGenetics, this variant was detected on the opposite allele (i.e., in trans) to a pathogenic RDH5 variant. An alternate substitution of this same amino acid residue (p.Arg280His) has also been reported in multiple individuals with fundus albipunctatus (Gonzalez-Fernandez et al. 1999. PubMed ID: 10617778; Nakamura et al. 2000. PubMed ID: 11053295; Wang et al. 2014. PubMed ID: 24154662). This variant is present in 0.0062% of alleles in individuals of African descent in gnomAD. Given the evidence, we interpret this variant as likely pathogenic.

Women's Health and Genetics/Laboratory Corporation of America, LabCorp
Classification: Uncertain significance. Last evaluated: 2025-03-25. Review status: criteria provided, single submitter. Criteria: LabCorp Variant Classification Summary - May 2015. Collection method: clinical testing. Allele origin: germline.
Comment: Variant summary: RDH5 c.838C>T (p.Arg280Cys) results in a non-conservative amino acid change in the encoded protein sequence. Five of five in-silico tools predict a damaging effect of the variant on protein function. The variant allele was found at a frequency of 2.8e-05 in 251444 control chromosomes (gnomAD). The available data on variant occurrences in the general population are insufficient to allow any conclusion about variant significance. c.838C>T has been reported in the literature in at least an individual affected with fundus albipunctatus (Zolnikova_2021). This report, however, does not provide unequivocal conclusions about association of the variant with Pigmentary retinal dystrophy. To our knowledge, no experimental evidence demonstrating an impact on protein function has been reported. The following publication has been ascertained in the context of this evaluation (PMID: 33610152). ClinVar contains an entry for this variant (Variation ID: 1347041). Based on the evidence outlined above, the variant was classified as uncertain significance.

Blueprint Genetics
Classification: Likely pathogenic for RDH5-related disorders. Last evaluated: 2024-03-19. Review status: criteria provided, single submitter. Criteria: ACMG Guidelines, 2015. Collection method: clinical testing. Allele origin: germline. Affected: yes. Observed: 5 variant alleles.

Labcorp Genetics (formerly Invitae), Labcorp
Classification: Uncertain significance. Last evaluated: 2022-08-21. Review status: criteria provided, single submitter. Criteria: Invitae Variant Classification Sherloc (09022015). Collection method: clinical testing. Allele origin: germline.
Comment: This sequence change replaces arginine, which is basic and polar, with cysteine, which is neutral and slightly polar, at codon 280 of the RDH5 protein (p.Arg280Cys). This variant is present in population databases (rs146041022, gnomAD 0.005%). This variant has not been reported in the literature in individuals affected with RDH5-related conditions. ClinVar contains an entry for this variant (Variation ID: 1347041). Algorithms developed to predict the effect of missense changes on protein structure and function are either unavailable or do not agree on the potential impact of this missense change (SIFT: "Deleterious"; PolyPhen-2: "Probably Damaging"; Align-GVGD: "Class C0"). This variant disrupts the p.Arg280 amino acid residue in RDH5. Other variant(s) that disrupt this residue have been determined to be pathogenic (PMID: 10617778, 11053295, 15007239). This suggests that this residue is clinically significant, and that variants that disrupt this residue are likely to be disease-causing. In summary, the available evidence is currently insufficient to determine the role of this variant in disease. Therefore, it has been classified as a Variant of Uncertain Significance.

Literature cited by the submitters: PubMed 33610152 (cited by Women's Health and Genetics/Laboratory Corporation of America, LabCorp); PubMed 10617778 (cited by Labcorp Genetics (formerly Invitae), Labcorp); PubMed 11053295 (cited by Labcorp Genetics (formerly Invitae), Labcorp); PubMed 15007239 (cited by Labcorp Genetics (formerly Invitae), Labcorp).

NM_002905.5(RDH5):c.838C>T (p.Arg280Cys)

Genes: BLOC1S1-RDH5 (BLOC1S1-RDH5 readthrough; plus strand), CD63 (CD63 molecule; minus strand), RDH5 (retinol dehydrogenase 5; plus strand). Cytogenetic location: 12q13.2.
Variant type: single nucleotide variant.
Coding change: c.838C>T on transcript NM_002905.5 (MANE Select); coding-DNA position 838, C replaced by T.
Protein change: p.Arg280Cys; replaces arginine 280 with cysteine.
Molecular consequence: missense variant. On other transcripts: non-coding transcript variant (1).
Genome position (GRCh38, 1-based): chr12:55,724,426, C>T. VCF-style: chr12-55724426-C-T. GRCh37 (hg19) VCF-style: chr12-56118210-C-T.
Other names: c.838C>T (NM_002905.3); c.838C>T, p.Arg280Cys (NM_001199771.3); short protein forms R280C.
Identifiers: ClinVar variation 1347041 (VCV001347041.6), dbSNP rs146041022, ClinGen allele CA6616971.
Genomic context (GRCh38, chr12:55,724,426, plus strand): 5'-GACCTAACCAAGGTGAGCCGATGCCTGGAGCATGCCCTGACTGCTCGACACCCCCGAACC[C>T]GCTACAGCCCAGGTTGGGATGCCAAGCTGCTCTGGCTGCCTGCCTCCTACCTGCCAGCCA-3'
Protein context (NP_002896.2, residues 270-290): HALTARHPRT[Arg280Cys]YSPGWDAKLL